The following is an entry in ClinVar:

ClinVar aggregate classification (germline): Uncertain significance (1 of 4 stars; one submission).

Conditions:
Autosomal recessive ataxia, Beauce type. Also called: SYNE1-Related Autosomal Recessive Cerebellar Ataxia; Spinocerebellar ataxia, autosomal recessive 8; ATAXIA, RECESSIVE, OF BEAUCE; SYNE1 Deficiency. Identifiers: Orphanet 88644, MedGen C1853116, MONDO:0012549, OMIM 610743.
Emery-Dreifuss muscular dystrophy 4, autosomal dominant (EDMD4). Also called: EMERY-DREIFUSS MUSCULAR DYSTROPHY 4 WITH VARIABLE FEATURES. Identifiers: Orphanet 261, MedGen C2751807, MONDO:0013071, OMIM 612998.

Allele frequency attached by ClinVar (database versions not stated): gnomAD 0.00001; gnomAD exomes 0.00001.
gnomAD v4.1: 6 of 1,613,546 alleles (0.00037%); highest among the groups gnomAD compares: Admixed American, 0.0033%; no homozygotes.

Submission:

Labcorp Genetics (formerly Invitae), Labcorp
Classification: Uncertain significance for Emery-Dreifuss muscular dystrophy 4, autosomal dominant; Autosomal recessive ataxia, Beauce type. Last evaluated: 2022-04-20. Review status: criteria provided, single submitter. Criteria: Invitae Variant Classification Sherloc (09022015). Collection method: clinical testing. Allele origin: germline.
Comment: This sequence change replaces alanine, which is neutral and non-polar, with valine, which is neutral and non-polar, at codon 90 of the SYNE1 protein (p.Ala90Val). In summary, the available evidence is currently insufficient to determine the role of this variant in disease. Therefore, it has been classified as a Variant of Uncertain Significance. Algorithms developed to predict the effect of missense changes on protein structure and function are either unavailable or do not agree on the potential impact of this missense change (SIFT: "Deleterious"; PolyPhen-2: "Possibly Damaging"; Align-GVGD: "Class C0"). This variant has not been reported in the literature in individuals affected with SYNE1-related conditions. This variant is not present in population databases (gnomAD no frequency).

NM_182961.4(SYNE1):c.269C>T (p.Ala90Val)

Gene: SYNE1 (spectrin repeat containing nuclear envelope protein 1; minus strand). Cytogenetic location: 6q25.2.
Variant type: single nucleotide variant.
Coding change: c.269C>T on transcript NM_182961.4 (MANE Select); coding-DNA position 269, C replaced by T.
Protein change: p.Ala90Val; replaces alanine 90 with valine.
Molecular consequence: missense variant.
Genome position (GRCh38, 1-based): chr6:152,520,499, G>A on the plus strand (C>T on the coding strand, the complement: SYNE1 is on the minus strand). VCF-style: chr6-152520499-G-A. GRCh37 (hg19) VCF-style: chr6-152841634-G-A.
Other names: c.269C>T, p.Ala90Val (NM_033071.5); short protein forms A90V.
Identifiers: ClinVar variation 1464840 (VCV001464840.7), dbSNP rs2099133562, ClinGen allele CA366110414.